The following is an entry in ClinVar:

ClinVar aggregate classification (germline): Likely benign. Review status: criteria provided, multiple submitters, no conflicts (2 of 4 stars). 2 submissions from 2 submitters: Likely benign (2). Last evaluated 2026-07-14.

Conditions:
PGM1-related disorder. Also called: PGM1-related disorders; PGM1-related condition.
PGM1-congenital disorder of glycosylation. Also called: PHOSPHOGLUCOMUTASE 1 DEFICIENCY; PGM1 DEFICIENCY; GLYCOGEN STORAGE DISEASE XIV; GSD XIV; Congenital disorder of glycosylation type 1t; CDG It. Identifiers: Orphanet 319646, MedGen C2752015, MONDO:0013968, OMIM 614921.

Allele frequency attached by ClinVar (database versions not stated): gnomAD exomes below 0.00001; gnomAD 0.00001; TOPMed 0.00001.
gnomAD v4.1: 9 of 1,613,994 alleles (0.00056%); highest among the groups gnomAD compares: Non-Finnish European, 0.00068%; no homozygotes.

Submissions (2):

PreventionGenetics, part of Exact Sciences
Classification: Likely benign for PGM1-related condition. Last evaluated: 2026-07-14. Review status: criteria provided, single submitter. Criteria: ACMG Guidelines, 2015. Collection method: clinical testing. Allele origin: germline.
Comment: This variant is classified as likely benign based on ACMG/AMP sequence variant interpretation guidelines (Richards et al. 2015 PMID: 25741868, with internal and published modifications).

Labcorp Genetics (formerly Invitae), Labcorp
Classification: Likely benign for PGM1-congenital disorder of glycosylation. Last evaluated: 2024-10-12. Review status: criteria provided, single submitter. Criteria: Invitae Variant Classification Sherloc (09022015). Collection method: clinical testing. Allele origin: germline.

NM_002633.3(PGM1):c.1239C>T (p.Leu413=)

Gene: PGM1 (phosphoglucomutase 1; plus strand). Cytogenetic location: 1p31.3.
Variant type: single nucleotide variant.
Coding change: c.1239C>T on transcript NM_002633.3 (MANE Select); coding-DNA position 1239, C replaced by T.
Protein change: p.Leu413=; no amino-acid change (leucine 413 retained).
Molecular consequence: synonymous variant.
Genome position (GRCh38, 1-based): chr1:63,648,611, C>T. VCF-style: chr1-63648611-C-T. GRCh37 (hg19) VCF-style: chr1-64114282-C-T.
Other names: c.1293C>T, p.Leu431= (NM_001172818.1); c.648C>T, p.Leu216= (NM_001172819.2); c.1239C>T (NM_002633.2).
Identifiers: ClinVar variation 2166901 (VCV002166901.5), dbSNP rs1257952244, ClinGen allele CA418197654.